The following is an entry in ClinVar:

ClinVar aggregate classification (germline): Pathogenic (1 of 4 stars; one submission).

Conditions:
Mirror movements 1 (MRMV1). Identifiers: Orphanet 238722, MedGen C1834870, OMIM 157600, MONDO:0008002.

Submission:

Greenwood Genetic Center Diagnostic Laboratories, Greenwood Genetic Center
Classification: Pathogenic for Mirror movements 1. Last evaluated: 2023-08-15. Review status: criteria provided, single submitter. Criteria: ACMG Guidelines, 2015. Collection method: clinical testing. Allele origin: germline. Affected: yes.
Comment: PVS1, PS2, PM2

NM_005215.4(DCC):c.2280_2286del (p.Ile760fs)

Gene: DCC (DCC netrin 1 receptor; plus strand). Cytogenetic location: 18q21.2.
Variant type: Deletion.
Coding change: c.2280_2286del on transcript NM_005215.4 (MANE Select); coding-DNA positions 2280 to 2286, 7 bases deleted (CGGTTAT; older notation c.2280_2286delCGGTTAT).
Protein change: p.Ile760fs; shifts the reading frame from isoleucine 760.
Molecular consequence: frameshift variant.
Genome position (GRCh38, 1-based): chr18:53,339,828-53,339,834, CGGTTAT deleted; deleting any 7 consecutive bases within chr18:53,339,824-53,339,834 gives the same sequence; the c. name uses the placement nearest the transcript's 3' end. VCF-style (leftmost placement, unchanged base first): chr18-53339823-ATTATCGG-A. GRCh37 (hg19) VCF-style: chr18-50866193-ATTATCGG-A.
Other names: short protein forms I760fs.
Identifiers: ClinVar variation 2626888 (VCV002626888.1), dbSNP rs2511451201, ClinGen allele CA2582342339.